The following is an entry in ClinVar:

ClinVar aggregate classification (germline): Likely benign. Review status: criteria provided, multiple submitters, no conflicts (2 of 4 stars). 2 submissions from 2 submitters: Likely benign (2). Last evaluated 2024-08-28.

Conditions:
Fanconi anemia complementation group J. Also called: BRIP1-Related Fanconi Anemia. Identifiers: Orphanet 84, MedGen C1836860, MONDO:0012187, OMIM 609054.
Familial cancer of breast. Also called: BREAST CANCER, FAMILIAL; Hereditary breast cancer; hereditary breast carcinoma. Identifiers: Orphanet 227535, MedGen C0346153, MONDO:0016419, OMIM 114480. Disease mechanism: loss of function.

Allele frequency attached by ClinVar (database versions not stated): gnomAD exomes below 0.00001; gnomAD 0.00001.
gnomAD v4.1: 5 of 1,608,732 alleles (0.00031%); highest among the groups gnomAD compares: African/African-American, 0.0013%; no homozygotes.

Submissions (2):

Myriad Genetics, Inc.
Classification: Likely benign for Familial cancer of breast. Last evaluated: 2024-08-28. Review status: criteria provided, single submitter. Criteria: Myriad Autosomal Dominant, Autosomal Recessive and X-Linked Classification Criteria (2023). Collection method: clinical testing. Allele origin: unknown.
Comment: This variant is considered likely benign. This variant is intronic and is not expected to impact mRNA splicing.

Labcorp Genetics (formerly Invitae), Labcorp
Classification: Likely benign for Familial cancer of breast; Fanconi anemia complementation group J. Last evaluated: 2024-01-17. Review status: criteria provided, single submitter. Criteria: Invitae Variant Classification Sherloc (09022015). Collection method: clinical testing. Allele origin: germline.

NM_032043.3(BRIP1):c.1474-12A>G

Gene: BRIP1 (BRCA1 interacting DNA helicase 1; minus strand). Cytogenetic location: 17q23.2.
Variant type: single nucleotide variant.
Coding change: c.1474-12A>G on transcript NM_032043.3 (MANE Select); 12 bases into the intron before coding-DNA position 1474, A replaced by G.
Molecular consequence: intron variant.
Genome position (GRCh38, 1-based): chr17:61,784,436, T>C on the plus strand (A>G on the coding strand, the complement: BRIP1 is on the minus strand). VCF-style: chr17-61784436-T-C. GRCh37 (hg19) VCF-style: chr17-59861797-T-C.
Identifiers: ClinVar variation 2939430 (VCV002939430.4), dbSNP rs1274828018, ClinGen allele CA626806707.